The following is an entry in ClinVar:

ClinVar aggregate classification (germline): Uncertain significance (1 of 4 stars; one submission).

Submission:

GeneDx
Classification: Uncertain significance. Last evaluated: 2024-09-30. Review status: criteria provided, single submitter. Criteria: GeneDx Variant Classification Process June 2021. Collection method: clinical testing. Allele origin: germline. Affected: yes.
Comment: Not observed at significant frequency in large population cohorts (gnomAD); In silico analysis supports that this missense variant has a deleterious effect on protein structure/function; Has not been previously published as pathogenic or benign to our knowledge

NM_152296.5(ATP1A3):c.143A>G (p.Asp48Gly)

Gene: ATP1A3 (ATPase Na+/K+ transporting subunit alpha 3; minus strand). Cytogenetic location: 19q13.2.
Variant type: single nucleotide variant.
Coding change: c.143A>G on transcript NM_152296.5 (MANE Select); coding-DNA position 143, A replaced by G.
Protein change: p.Asp48Gly; replaces aspartic acid 48 with glycine.
Molecular consequence: missense variant.
Genome position (GRCh38, 1-based): chr19:41,988,328, T>C on the plus strand (A>G on the coding strand, the complement: ATP1A3 is on the minus strand). VCF-style: chr19-41988328-T-C. GRCh37 (hg19) VCF-style: chr19-42492480-T-C.
Other names: c.176A>G, p.Asp59Gly (NM_001256213.2); c.182A>G, p.Asp61Gly (NM_001256214.2); short protein forms D48G, D59G, D61G.
Identifiers: ClinVar variation 3774913 (VCV003774913.1).
Genomic context (GRCh38, chr19:41,988,328, plus strand): 5'-CAGCTCCTCCTCCCTAGTTCCCAGGGTCCCAGCCCACAGCCTGGCCACACCTGCACACAG[T>C]CTGTGTTGTATTTCCGGCAGACCTCTTCCACTGACATCTTGTGCTCTGTCTGAGGAACAG-3'
Protein context (NP_689509.1, residues 38-58): VEEVCRKYNT[Asp48Gly]CVQGLTHSKA